The following is an entry in ClinVar:

NM_001349338.3(FOXP1):c.191T>G (p.Val64Gly)

Gene: FOXP1 (forkhead box P1; minus strand). Cytogenetic location: 3p13.
Variant type: single nucleotide variant.
Coding change: c.191T>G on transcript NM_001349338.3 (MANE Select); coding-DNA position 191, T replaced by G.
Protein change: p.Val64Gly; replaces valine 64 with glycine.
Molecular consequence: missense variant. On other transcripts: 5 prime UTR variant (5), non-coding transcript variant (2).
Genome position (GRCh38, 1-based): chr3:71,112,627, A>C on the plus strand (T>G on the coding strand, the complement: FOXP1 is on the minus strand). VCF-style: chr3-71112627-A-C. GRCh37 (hg19) VCF-style: chr3-71161778-A-C.
Other names: c.191T>G, p.Val64Gly (NM_001244808.3, NM_001244810.2, NM_001244812.3 and 6 more transcripts); c.-110T>G (NM_001244815.2, NM_001349337.2, NM_001349342.3 and 2 more transcripts); short protein forms V64G.
Identifiers: ClinVar variation 2627003 (VCV002627003.1), dbSNP rs2107748681, ClinGen allele CA353563508.

ClinVar aggregate classification (germline): Uncertain significance (1 of 4 stars; one submission).

Allele frequency attached by ClinVar (database versions not stated): gnomAD exomes below 0.00001.
gnomAD v4.1: 1 of 1,613,760 alleles (0.000062%); highest among the groups gnomAD compares: Non-Finnish European, 0.000085%; no homozygotes.

Submission:

Greenwood Genetic Center Diagnostic Laboratories, Greenwood Genetic Center
Classification: Uncertain significance. Last evaluated: 2023-07-27. Review status: criteria provided, single submitter. Criteria: ACMG Guidelines, 2015. Collection method: clinical testing. Allele origin: germline. Affected: yes.
Comment: PM2